The following is an entry in ClinVar:

ClinVar aggregate classification (germline): Conflicting classifications of pathogenicity. Review status: criteria provided, conflicting classifications (1 of 4 stars). 2 submissions from 2 submitters: Uncertain significance (1); Likely benign (1). Last evaluated 2024-09-04.

Conditions:
Inborn genetic diseases. Identifiers: MedGen C0950123, MeSH D030342.

Allele frequency attached by ClinVar (database versions not stated): ExAC 0.00006; gnomAD 0.00007; gnomAD exomes 0.00008; TOPMed 0.00009.
gnomAD v4.1: 120 of 1,604,044 alleles (0.0075%); highest among the groups gnomAD compares: Non-Finnish European, 0.01%; no homozygotes.

Submissions (2):

Ambry Genetics
Classification: Likely benign for Inborn genetic diseases. Last evaluated: 2024-09-04. Review status: criteria provided, single submitter. Criteria: Ambry Variant Classification Scheme 2023. Collection method: clinical testing. Allele origin: germline.

CeGaT Center for Human Genetics Tuebingen
Classification: Uncertain significance. Last evaluated: 2024-01-01. Review status: criteria provided, single submitter. Criteria: CeGaT Center For Human Genetics Tuebingen Variant Classification Criteria Version 2. Collection method: clinical testing. Allele origin: germline. Affected: yes. Observed: 1 variant allele.
Comment: TNPO2: PP2

NM_001382241.1(TNPO2):c.1974G>C (p.Gln658His)

Gene: TNPO2 (transportin 2; minus strand). Cytogenetic location: 19p13.13.
Variant type: single nucleotide variant.
Coding change: c.1974G>C on transcript NM_001382241.1 (MANE Select); coding-DNA position 1974, G replaced by C.
Protein change: p.Gln658His; replaces glutamine 658 with histidine.
Molecular consequence: missense variant. On other transcripts: non-coding transcript variant (6).
Genome position (GRCh38, 1-based): chr19:12,705,288, C>G on the plus strand (G>C on the coding strand, the complement: TNPO2 is on the minus strand). VCF-style: chr19-12705288-C-G. GRCh37 (hg19) VCF-style: chr19-12816102-C-G.
Other names: c.1974G>C, p.Gln658His (NM_001136195.2, NM_001136196.2, NM_001382236.1 and 7 more transcripts); c.1974G>C (NM_001136196.1); short protein forms Q658H.
Identifiers: ClinVar variation 3025231 (VCV003025231.23), dbSNP rs770722987, ClinGen allele CA9228926.